The following is an entry in ClinVar:

ClinVar aggregate classification (germline): Uncertain significance. Review status: criteria provided, multiple submitters, no conflicts (2 of 4 stars). 3 submissions from 3 submitters: Uncertain significance (3). Last evaluated 2025-09-25.

Conditions:
Cardiovascular phenotype. Identifiers: MedGen CN230736.
Hypertrophic cardiomyopathy. Also called: HYPERTROPHIC MYOCARDIOPATHY. Identifiers: Orphanet 217569, MedGen C0007194, MeSH D002312, MONDO:0005045, HP:0001639.
Cardiomyopathy (CMYO). Also called: Cardiomyopathies. Identifiers: Orphanet 167848, MedGen C0878544, MONDO:0004994, HP:0001638. Inheritance: Various modes of inheritance.

Allele frequency attached by ClinVar (database versions not stated): TOPMed below 0.00001.

Submissions (3):

Ambry Genetics
Classification: Uncertain significance for Cardiovascular phenotype. Last evaluated: 2025-09-25. Review status: criteria provided, single submitter. Criteria: Ambry Variant Classification Scheme 2023. Collection method: clinical testing. Allele origin: germline.
Comment: The p.T1188S variant (also known as c.3563C>G), located in coding exon 25 of the MYH7 gene, results from a C to G substitution at nucleotide position 3563. The threonine at codon 1188 is replaced by serine, an amino acid with similar properties. This amino acid position is highly conserved in available vertebrate species. In addition, the in silico prediction for this alteration is inconclusive. Based on the available evidence, the clinical significance of this variant remains unclear.

All of Us Research Program, National Institutes of Health
Classification: Uncertain significance for Cardiomyopathy. Last evaluated: 2024-08-13. Review status: criteria provided, single submitter. Criteria: ACMG Guidelines, 2015. Collection method: clinical testing. Allele origin: germline. Inheritance: Autosomal dominant inheritance. Observed: 1 variant allele, 1 heterozygote.
Comment: This missense variant replaces threonine with serine at codon 1188 of the MYH7 protein. Computational prediction is inconclusive regarding the impact of this variant on protein structure and function (internally defined REVEL score threshold 0.5 < inconclusive < 0.7, PMID: 27666373). To our knowledge, functional studies have not been reported for this variant. This variant has not been reported in individuals affected with MYH7-related disorders in the literature. This variant has not been identified in the general population by the Genome Aggregation Database (gnomAD). The available evidence is insufficient to determine the role of this variant in disease conclusively. Therefore, this variant is classified as a Variant of Uncertain Significance.

This study involves interpretation of variants in research participants for the purpose of population health screening. Participant phenotype was not available at the time of variant classification. Additional details can be found in publication PMID: 35346344, PMCID: PMC8962531

Labcorp Genetics (formerly Invitae), Labcorp
Classification: Uncertain significance for Hypertrophic cardiomyopathy. Last evaluated: 2024-02-23. Review status: criteria provided, single submitter. Criteria: Invitae Variant Classification Sherloc (09022015). Collection method: clinical testing. Allele origin: germline.
Comment: This sequence change replaces threonine, which is neutral and polar, with serine, which is neutral and polar, at codon 1188 of the MYH7 protein (p.Thr1188Ser). This variant is not present in population databases (gnomAD no frequency). This variant has not been reported in the literature in individuals affected with MYH7-related conditions. ClinVar contains an entry for this variant (Variation ID: 807091). Advanced modeling of protein sequence and biophysical properties (such as structural, functional, and spatial information, amino acid conservation, physicochemical variation, residue mobility, and thermodynamic stability) performed at Invitae indicates that this missense variant is expected to disrupt MYH7 protein function with a positive predictive value of 95%. In summary, the available evidence is currently insufficient to determine the role of this variant in disease. Therefore, it has been classified as a Variant of Uncertain Significance.

NM_000257.4(MYH7):c.3563C>G (p.Thr1188Ser)

Gene: MYH7 (myosin heavy chain 7; minus strand). Cytogenetic location: 14q11.2.
Variant type: single nucleotide variant.
Coding change: c.3563C>G on transcript NM_000257.4 (MANE Select); coding-DNA position 3563, C replaced by G.
Protein change: p.Thr1188Ser; replaces threonine 1188 with serine.
Molecular consequence: missense variant.
Genome position (GRCh38, 1-based): chr14:23,420,008, G>C on the plus strand (C>G on the coding strand, the complement: MYH7 is on the minus strand). VCF-style: chr14-23420008-G-C. GRCh37 (hg19) VCF-style: chr14-23889217-G-C.
Other names: short protein forms T1188S.
Identifiers: ClinVar variation 807091 (VCV000807091.22), dbSNP rs1566527771, ClinGen allele CA389043460.